The following is an entry in ClinVar:

ClinVar aggregate classification (germline): Uncertain significance. Review status: criteria provided, multiple submitters, no conflicts (2 of 4 stars). 2 submissions from 2 submitters: Uncertain significance (2). Last evaluated 2021-05-17.

Conditions:
X-linked lymphoproliferative disease due to XIAP deficiency. Also called: XIAP DEFICIENCY; XIAP-Related Lymphoproliferative Disease, X-Linked. Identifiers: Orphanet 2442, Orphanet 538934, MedGen C1845076, MONDO:0010385, OMIM 300635.

gnomAD v4.1: 1 of 1,211,878 alleles (0.000083%); highest among the groups gnomAD compares: Middle Eastern, 0.023%; no homozygotes.

Submissions (2):

Labcorp Genetics (formerly Invitae), Labcorp
Classification: Uncertain significance for X-linked lymphoproliferative disease due to XIAP deficiency. Last evaluated: 2021-05-17. Review status: criteria provided, single submitter. Criteria: Invitae Variant Classification Sherloc (09022015). Collection method: clinical testing. Allele origin: germline.
Comment: This variant is not present in population databases (ExAC no frequency). In summary, the available evidence is currently insufficient to determine the role of this variant in disease. Therefore, it has been classified as a Variant of Uncertain Significance. Algorithms developed to predict the effect of sequence changes on RNA splicing suggest that this variant may create or strengthen a splice site, but this prediction has not been confirmed by published transcriptional studies. Algorithms developed to predict the effect of missense changes on protein structure and function output the following: SIFT: "Not Available"; PolyPhen-2: "Benign"; Align-GVGD: "Not Available". The valine amino acid residue is found in multiple mammalian species, suggesting that this missense change does not adversely affect protein function. These predictions have not been confirmed by published functional studies and their clinical significance is uncertain. This variant has not been reported in the literature in individuals with XIAP-related conditions. This sequence change replaces alanine with valine at codon 68 of the XIAP protein (p.Ala68Val). The alanine residue is moderately conserved and there is a small physicochemical difference between alanine and valine.

GeneDx
Classification: Uncertain significance. Last evaluated: 2021-04-14. Review status: criteria provided, single submitter. Criteria: GeneDx Variant Classification Process June 2021. Collection method: clinical testing. Allele origin: germline. Affected: yes.
Comment: Not observed in large population cohorts (Lek et al., 2016); In silico analysis supports that this missense variant does not alter protein structure/function; Has not been previously published as pathogenic or benign to our knowledge

NM_001167.4(XIAP):c.203C>T (p.Ala68Val)

Gene: XIAP (X-linked inhibitor of apoptosis; plus strand). Cytogenetic location: Xq25.
Variant type: single nucleotide variant.
Coding change: c.203C>T on transcript NM_001167.4 (MANE Select); coding-DNA position 203, C replaced by T.
Protein change: p.Ala68Val; replaces alanine 68 with valine.
Molecular consequence: missense variant.
Genome position (GRCh38, 1-based): chrX:123,885,865, C>T. VCF-style: chrX-123885865-C-T. GRCh37 (hg19) VCF-style: chrX-123019715-C-T.
Other names: c.203C>T, p.Ala68Val (NM_001204401.2, NM_001378590.1, NM_001378591.1 and 1 more transcripts); short protein forms A68V.
Identifiers: ClinVar variation 1307339 (VCV001307339.8), dbSNP rs2148089461, ClinGen allele CA414122935.
Genomic context (GRCh38, chrX:123,885,865, plus strand): 5'-CACGAGCAGGGTTTCTTTATACTGGTGAAGGAGATACCGTGCGGTGCTTTAGTTGTCATG[C>T]AGCTGTAGATAGATGGCAATATGGAGACTCAGCAGTTGGAAGACACAGGAAAGTATCCCC-3'
Protein context (NP_001158.2, residues 58-78): GDTVRCFSCH[Ala68Val]AVDRWQYGDS